The following is an entry in ClinVar:

ClinVar aggregate classification (germline): Uncertain significance (1 of 4 stars; one submission).

gnomAD v4.1: 2 of 1,614,144 alleles (0.00012%); highest among the groups gnomAD compares: Non-Finnish European, 0.00017%; no homozygotes.

Submission:

Dasa
Classification: Uncertain significance. Last evaluated: 2026-01-12. Review status: criteria provided, single submitter. Criteria: DASA Assertion Criteria. Collection method: clinical testing. Allele origin: germline.
Comment: NM_001394062.1(MACF1):c.1276C>G (p.Gln426Glu) is a missense variant that results in the substitution of glutamine with glutamic acid. This variant is rare in population databases. Computational prediction algorithms are consistent with a deleterious effect. The currently available literature and clinical evidence are not sufficient to establish a definitive association between this variant and the reported condition. Therefore, this variant is classified as a variant of uncertain significance.

NM_001394062.1(MACF1):c.1276C>G (p.Gln426Glu)

Gene: MACF1 (microtubule actin crosslinking factor 1; plus strand). Cytogenetic location: 1p34.3.
Variant type: single nucleotide variant.
Coding change: c.1276C>G on transcript NM_001394062.1 (MANE Select); coding-DNA position 1276, C replaced by G.
Protein change: p.Gln426Glu; replaces glutamine 426 with glutamic acid.
Molecular consequence: missense variant.
Genome position (GRCh38, 1-based): chr1:39,285,313, C>G. VCF-style: chr1-39285313-C-G. GRCh37 (hg19) VCF-style: chr1-39750985-C-G.
Other names: c.1291C>G, p.Gln431Glu (NM_012090.5); short protein forms Q426E, Q431E.
Identifiers: ClinVar variation 4881702 (VCV004881702.2).
Genomic context (GRCh38, chr1:39,285,313, plus strand): 5'-CTGCTGTGAACCTTGCACATGACTATGGTTTTATCTTATTTCAGGCTGGAATTGCTGCTA[C>G]AGATTGCAAACAAAATCCAGAATGGTGCTTTGAACTGTGAAGAAAAACTGACACTAGCTA-3'
Protein context (NP_001380991.1, residues 416-436): PAVERLELLL[Gln426Glu]IANKIQNGAL